The following is an entry in ClinVar:

ClinVar aggregate classification (germline): Uncertain significance (1 of 4 stars; one submission).

Conditions:
Fanconi anemia complementation group E (FANCE). Also called: FANCE-Related Fanconi Anemia. Identifiers: Orphanet 84, MedGen C3160739, MONDO:0010953, OMIM 600901.

Submission:

Labcorp Genetics (formerly Invitae), Labcorp
Classification: Uncertain significance for Fanconi anemia complementation group E. Last evaluated: 2021-11-23. Review status: criteria provided, single submitter. Criteria: Invitae Variant Classification Sherloc (09022015). Collection method: clinical testing. Allele origin: germline.
Comment: In summary, the available evidence is currently insufficient to determine the role of this variant in disease. Therefore, it has been classified as a Variant of Uncertain Significance. Algorithms developed to predict the effect of missense changes on protein structure and function output the following: SIFT: "Tolerated"; PolyPhen-2: "Benign"; Align-GVGD: "Class C0". The asparagine amino acid residue is found in multiple mammalian species, which suggests that this missense change does not adversely affect protein function. This sequence change replaces serine, which is neutral and polar, with asparagine, which is neutral and polar, at codon 320 of the FANCE protein (p.Ser320Asn). This variant is not present in population databases (gnomAD no frequency). This variant has not been reported in the literature in individuals affected with FANCE-related conditions.

NM_021922.3(FANCE):c.959G>A (p.Ser320Asn)

Gene: FANCE (FA complementation group E; plus strand). Cytogenetic location: 6p21.31.
Variant type: single nucleotide variant.
Coding change: c.959G>A on transcript NM_021922.3 (MANE Select); coding-DNA position 959, G replaced by A.
Protein change: p.Ser320Asn; replaces serine 320 with asparagine.
Molecular consequence: missense variant.
Genome position (GRCh38, 1-based): chr6:35,457,974, G>A. VCF-style: chr6-35457974-G-A. GRCh37 (hg19) VCF-style: chr6-35425751-G-A.
Other names: short protein forms S320N.
Identifiers: ClinVar variation 1394704 (VCV001394704.6), dbSNP rs1767417019, ClinGen allele CA363774992.